The following is an entry in ClinVar:

ClinVar aggregate classification (germline): Conflicting classifications of pathogenicity. Review status: criteria provided, conflicting classifications (1 of 4 stars). 2 submissions from 2 submitters: Likely pathogenic (1); Uncertain significance (1). Last evaluated 2024-03-21.

Conditions:
TRPM1-related disorder. Also called: TRPM1-related condition.

Allele frequency attached by ClinVar (database versions not stated): ExAC 0.00002; gnomAD exomes 0.00002 and 0.00004; gnomAD 0.00003; TOPMed 0.00003; ESP Exome Variant Server 0.00008.
gnomAD v4.1: 68 of 1,602,214 alleles (0.0042%); highest among the groups gnomAD compares: Non-Finnish European, 0.0055%; no homozygotes.

Submissions (2):

Blueprint Genetics
Classification: Likely pathogenic for TRPM1-related disorders. Last evaluated: 2024-03-21. Review status: criteria provided, single submitter. Criteria: ACMG Guidelines, 2015. Collection method: clinical testing. Allele origin: germline. Affected: yes. Observed: 5 variant alleles.

Labcorp Genetics (formerly Invitae), Labcorp
Classification: Uncertain significance. Last evaluated: 2022-10-11. Review status: criteria provided, single submitter. Criteria: Invitae Variant Classification Sherloc (09022015). Collection method: clinical testing. Allele origin: germline.
Comment: This sequence change creates a premature translational stop signal (p.Glu1232*) in the TRPM1 gene. While this is not anticipated to result in nonsense mediated decay, it is expected to disrupt the last 372 amino acid(s) of the TRPM1 protein. This variant is present in population databases (rs369084166, gnomAD 0.003%). This variant has not been reported in the literature in individuals affected with TRPM1-related conditions. ClinVar contains an entry for this variant (Variation ID: 1014508). This variant disrupts the C-terminus of the TRPM1 protein. Other variant(s) that disrupt this region (p.Asn1265Ilefs*42) have been observed in individuals with TRPM1-related conditions (PMID: 31144483). This suggests that this may be a clinically significant region of the protein. In summary, the available evidence is currently insufficient to determine the role of this variant in disease. Therefore, it has been classified as a Variant of Uncertain Significance.

Literature cited by the submitters: PubMed 31144483 (cited by Labcorp Genetics (formerly Invitae), Labcorp).

NM_001252024.2(TRPM1):c.3760G>T (p.Glu1254Ter)

Gene: TRPM1 (transient receptor potential cation channel subfamily M member 1; minus strand). Cytogenetic location: 15q13.3.
Variant type: single nucleotide variant.
Coding change: c.3760G>T on transcript NM_001252024.2 (MANE Select); coding-DNA position 3760, G replaced by T.
Protein change: p.Glu1254Ter; replaces glutamic acid 1254 with a stop codon.
Molecular consequence: nonsense.
Genome position (GRCh38, 1-based): chr15:31,002,940, C>A on the plus strand (G>T on the coding strand, the complement: TRPM1 is on the minus strand). VCF-style: chr15-31002940-C-A. GRCh37 (hg19) VCF-style: chr15-31295143-C-A.
Other names: c.3811G>T, p.Glu1271Ter (NM_001252020.2); c.3694G>T, p.Glu1232Ter (NM_002420.6); short protein forms E1232*, E1254*, E1271*.
Identifiers: ClinVar variation 1014508 (VCV001014508.7), dbSNP rs369084166, ClinGen allele CA7451775.